The following is an entry in ClinVar:

ClinVar aggregate classification (germline): Likely benign (1 of 4 stars; one submission).

Allele frequency attached by ClinVar (database versions not stated): gnomAD exomes 0.00128; gnomAD 0.01296 and 0.01391; TOPMed 0.01516; 1000 Genomes Project 0.01637; 1000 Genomes Project 30x 0.01686.
gnomAD v4.1: 2,988 of 906,778 alleles (0.33%); highest among the groups gnomAD compares: African/African-American, 4.3%; 68 homozygotes.

Submission:

GeneDx
Classification: Likely benign. Last evaluated: 2018-06-18. Review status: criteria provided, single submitter. Criteria: GeneDx Variant Classification (06012015). Collection method: clinical testing. Allele origin: germline. Affected: yes.
Comment: This variant is considered likely benign or benign based on one or more of the following criteria: it is a conservative change, it occurs at a poorly conserved position in the protein, it is predicted to be benign by multiple in silico algorithms, and/or has population frequency not consistent with disease.

NM_000051.4(ATM):c.5178-150T>C

Gene: ATM (ATM serine/threonine kinase; plus strand). Cytogenetic location: 11q22.3.
Variant type: single nucleotide variant.
Coding change: c.5178-150T>C on transcript NM_000051.4 (MANE Select); 150 bases into the intron before coding-DNA position 5178, T replaced by C.
Molecular consequence: intron variant.
Genome position (GRCh38, 1-based): chr11:108,301,498, T>C. VCF-style: chr11-108301498-T-C. GRCh37 (hg19) VCF-style: chr11-108172225-T-C.
Other names: c.5178-150T>C (NM_001351834.2).
Identifiers: ClinVar variation 676650 (VCV000676650.1), dbSNP rs4988035, ClinGen allele CA228387350.